The following is an entry in ClinVar:

NM_024529.5(CDC73):c.304G>A (p.Ala102Thr)

Gene: CDC73 (cell division cycle 73; plus strand). Cytogenetic location: 1q31.2.
Variant type: single nucleotide variant.
Coding change: c.304G>A on transcript NM_024529.5 (MANE Select); coding-DNA position 304, G replaced by A.
Protein change: p.Ala102Thr; replaces alanine 102 with threonine.
Molecular consequence: missense variant.
Genome position (GRCh38, 1-based): chr1:193,130,240, G>A. VCF-style: chr1-193130240-G-A. GRCh37 (hg19) VCF-style: chr1-193099370-G-A.
Other names: short protein forms A102T.
Identifiers: ClinVar variation 834830 (VCV000834830.10), dbSNP rs1675671504, ClinGen allele CA343973412.

ClinVar aggregate classification (germline): Uncertain significance (1 of 4 stars; one submission).

Conditions:
Parathyroid carcinoma (PRTC). Also called: CDC73-Related Parathyroid Carcinoma; Parathyroid gland carcinoma. Identifiers: Orphanet 143, MedGen C0687150, MONDO:0012004, OMIM 608266, HP:0006780.

Submission:

Labcorp Genetics (formerly Invitae), Labcorp
Classification: Uncertain significance for Parathyroid carcinoma. Last evaluated: 2019-03-12. Review status: criteria provided, single submitter. Criteria: Invitae Variant Classification Sherloc (09022015). Collection method: clinical testing. Allele origin: germline.
Comment: In summary, the available evidence is currently insufficient to determine the role of this variant in disease. Therefore, it has been classified as a Variant of Uncertain Significance. Algorithms developed to predict the effect of missense changes on protein structure and function output the following: SIFT: "Tolerated"; PolyPhen-2: "Benign"; Align-GVGD: "Class C0". The threonine amino acid residue is found in multiple mammalian species, suggesting that this missense change does not adversely affect protein function. These predictions have not been confirmed by published functional studies and their clinical significance is uncertain. This variant has not been reported in the literature in individuals with CDC73-related conditions. This variant is not present in population databases (ExAC no frequency). This sequence change replaces alanine with threonine at codon 102 of the CDC73 protein (p.Ala102Thr). The alanine residue is weakly conserved and there is a small physicochemical difference between alanine and threonine.